The following is an entry in ClinVar:

ClinVar aggregate classification (germline): Uncertain significance (1 of 4 stars; one submission).

Allele frequency attached by ClinVar (database versions not stated): gnomAD 0.00002 and 0.00003; TOPMed 0.00002.
gnomAD v4.1: 32 of 1,614,038 alleles (0.002%); highest among the groups gnomAD compares: Admixed American, 0.0033%; no homozygotes.

Submission:

Labcorp Genetics (formerly Invitae), Labcorp
Classification: Uncertain significance. Last evaluated: 2023-08-04. Review status: criteria provided, single submitter. Criteria: Invitae Variant Classification Sherloc (09022015). Collection method: clinical testing. Allele origin: germline.
Comment: This sequence change replaces tyrosine, which is neutral and polar, with cysteine, which is neutral and slightly polar, at codon 222 of the ABHD12 protein (p.Tyr222Cys). The frequency data for this variant in the population databases is considered unreliable, as metrics indicate poor data quality at this position in the gnomAD database. This variant has not been reported in the literature in individuals affected with ABHD12-related conditions. ClinVar contains an entry for this variant (Variation ID: 835644). Advanced modeling of protein sequence and biophysical properties (such as structural, functional, and spatial information, amino acid conservation, physicochemical variation, residue mobility, and thermodynamic stability) performed at Invitae indicates that this missense variant is not expected to disrupt ABHD12 protein function. In summary, the available evidence is currently insufficient to determine the role of this variant in disease. Therefore, it has been classified as a Variant of Uncertain Significance.

NM_001042472.3(ABHD12):c.665A>G (p.Tyr222Cys)

Genes: ABHD12 (abhydrolase domain containing 12, lysophospholipase; minus strand), LOC126863008 (CDK7 strongly-dependent group 2 enhancer GRCh37_chr20:25289826-25291025; plus strand). Cytogenetic location: 20p11.21.
Variant type: single nucleotide variant.
Coding change: c.665A>G on transcript NM_001042472.3 (MANE Select); coding-DNA position 665, A replaced by G.
Protein change: p.Tyr222Cys; replaces tyrosine 222 with cysteine.
Molecular consequence: missense variant.
Genome position (GRCh38, 1-based): chr20:25,309,530, T>C on the plus strand (A>G on the coding strand, the complement: ABHD12 is on the minus strand). VCF-style: chr20-25309530-T-C. GRCh37 (hg19) VCF-style: chr20-25290166-T-C.
Other names: c.665A>G, p.Tyr222Cys (NM_015600.5); short protein forms Y222C.
Identifiers: ClinVar variation 835644 (VCV000835644.8), dbSNP rs777362757, ClinGen allele CA313720821.